The following is an entry in ClinVar:

NM_030665.4(RAI1):c.4160C>G (p.Thr1387Ser)

Gene: RAI1 (retinoic acid induced 1; plus strand). Cytogenetic location: 17p11.2.
Variant type: single nucleotide variant.
Coding change: c.4160C>G on transcript NM_030665.4 (MANE Select); coding-DNA position 4160, C replaced by G.
Protein change: p.Thr1387Ser; replaces threonine 1387 with serine.
Molecular consequence: missense variant.
Genome position (GRCh38, 1-based): chr17:17,797,108, C>G. VCF-style: chr17-17797108-C-G. GRCh37 (hg19) VCF-style: chr17-17700422-C-G.
Other names: c.4160C>G (NM_030665.3); short protein forms T1387S.
Identifiers: ClinVar variation 3666453 (VCV003666453.3).

ClinVar aggregate classification (germline): Uncertain significance. Review status: criteria provided, multiple submitters, no conflicts (2 of 4 stars). 2 submissions from 2 submitters: Uncertain significance (2). Last evaluated 2025-08-04.

Conditions:
RAI1-related disorder. Also called: RAI1-related condition.

Submissions (2):

PreventionGenetics, part of Exact Sciences
Classification: Uncertain significance for RAI1-related condition. Last evaluated: 2025-08-04. Review status: criteria provided, single submitter. Criteria: ACMG Guidelines, 2015. Collection method: clinical testing. Allele origin: germline.
Comment: The RAI1 c.4160C>G variant is predicted to result in the amino acid substitution p.Thr1387Ser. To our knowledge, this variant has not been reported in the literature or in a large population database (gnomAD), indicating this variant is rare. At this time, the clinical significance of this variant is uncertain due to the absence of conclusive functional and genetic evidence.

Labcorp Genetics (formerly Invitae), Labcorp
Classification: Uncertain significance. Last evaluated: 2024-12-15. Review status: criteria provided, single submitter. Criteria: Invitae Variant Classification Sherloc (09022015). Collection method: clinical testing. Allele origin: germline.
Comment: This sequence change replaces threonine, which is neutral and polar, with serine, which is neutral and polar, at codon 1387 of the RAI1 protein (p.Thr1387Ser). This variant is not present in population databases (gnomAD no frequency). This variant has not been reported in the literature in individuals affected with RAI1-related conditions. Invitae Evidence Modeling of protein sequence and biophysical properties (such as structural, functional, and spatial information, amino acid conservation, physicochemical variation, residue mobility, and thermodynamic stability) indicates that this missense variant is not expected to disrupt RAI1 protein function with a negative predictive value of 80%. In summary, the available evidence is currently insufficient to determine the role of this variant in disease. Therefore, it has been classified as a Variant of Uncertain Significance.